The following is an entry in ClinVar:

NM_000136.3(FANCC):c.9A>T (p.Gln3His)

Gene: FANCC (FA complementation group C; minus strand). Cytogenetic location: 9q22.32.
Variant type: single nucleotide variant.
Coding change: c.9A>T on transcript NM_000136.3 (MANE Select); coding-DNA position 9, A replaced by T.
Protein change: p.Gln3His; replaces glutamine 3 with histidine.
Molecular consequence: missense variant.
Genome position (GRCh38, 1-based): chr9:95,249,283, T>A on the plus strand (A>T on the coding strand, the complement: FANCC is on the minus strand). VCF-style: chr9-95249283-T-A. GRCh37 (hg19) VCF-style: chr9-98011565-T-A.
Other names: c.9A>T, p.Gln3His (NM_001243743.2, NM_001243744.2); short protein forms Q3H.
Identifiers: ClinVar variation 449791 (VCV000449791.16), dbSNP rs769585639, ClinGen allele CA5137852.
Genomic context (GRCh38, chr9:95,249,283, plus strand): 5'-ATCCCATACAGAAAGCTTCTGCATCCAAAACTGATAATCACAAGAAAGATCTACTGAATC[T>A]TGAGCCATCTTGGAAAAAGCGAAAAGGTGATGTCCCTTCACAGCAGCCTGTCCAGCACTG-3'
Protein context (NP_000127.2, residues 1-13): MA[Gln3His]DSVDLSCDYQ

ClinVar aggregate classification (germline): Uncertain significance. Review status: criteria provided, multiple submitters, no conflicts (2 of 4 stars). 5 submissions from 5 submitters: Uncertain significance (4). 1 of the submissions does not count toward it. Last evaluated 2024-07-09.

Conditions:
Hereditary cancer-predisposing syndrome. Also called: Neoplastic Syndromes, Hereditary; Hereditary neoplastic syndrome; Hereditary Cancer Syndrome; Tumor predisposition. Identifiers: Orphanet 140162, MedGen C0027672, MeSH D009386, MONDO:0015356.
Fanconi anemia (FA). Also called: Fanconi's anemia. Identifiers: Orphanet 84, MedGen C0015625, MeSH D005199, MONDO:0019391.
Fanconi anemia complementation group C (FANCC). Also called: FANCONI PANCYTOPENIA, TYPE 3; FACC; FANCC-Related Fanconi Anemia; Fanconi anemia, group C. Identifiers: Orphanet 84, MedGen C3468041, MONDO:0009213, OMIM 227645.

Allele frequency attached by ClinVar (database versions not stated): ExAC 0.00002; gnomAD exomes 0.00002; TOPMed 0.00002; gnomAD 0.00004.
gnomAD v4.1: 32 of 1,613,970 alleles (0.002%); highest among the groups gnomAD compares: Non-Finnish European, 0.0025%; no homozygotes.

Submissions (5):

GeneDx
Classification: Uncertain significance. Last evaluated: 2024-07-09. Review status: criteria provided, single submitter. Criteria: GeneDx Variant Classification Process June 2021. Collection method: clinical testing. Allele origin: germline. Affected: yes.
Comment: In silico analysis supports that this missense variant has a deleterious effect on protein structure/function; Has not been previously published as pathogenic or benign to our knowledge; This variant is associated with the following publications: (PMID: 26496030)

Labcorp Genetics (formerly Invitae), Labcorp
Classification: Uncertain significance for Fanconi anemia. Last evaluated: 2024-04-01. Review status: criteria provided, single submitter. Criteria: Invitae Variant Classification Sherloc (09022015). Collection method: clinical testing. Allele origin: germline.
Comment: This sequence change replaces glutamine, which is neutral and polar, with histidine, which is basic and polar, at codon 3 of the FANCC protein (p.Gln3His). This variant is present in population databases (rs769585639, gnomAD 0.006%). This variant has not been reported in the literature in individuals affected with FANCC-related conditions. ClinVar contains an entry for this variant (Variation ID: 449791). An algorithm developed to predict the effect of missense changes on protein structure and function (PolyPhen-2) suggests that this variant is likely to be tolerated. In summary, the available evidence is currently insufficient to determine the role of this variant in disease. Therefore, it has been classified as a Variant of Uncertain Significance.

Ambry Genetics
Classification: Uncertain significance for Hereditary cancer-predisposing syndrome. Last evaluated: 2024-03-19. Review status: criteria provided, single submitter. Criteria: Ambry Variant Classification Scheme 2023. Collection method: clinical testing. Allele origin: germline.
Comment: The p.Q3H variant (also known as c.9A>T), located in coding exon 1 of the FANCC gene, results from an A to T substitution at nucleotide position 9. The glutamine at codon 3 is replaced by histidine, an amino acid with highly similar properties. This amino acid position is not well conserved in available vertebrate species. In addition, this alteration is predicted to be tolerated by in silico analysis. Since supporting evidence is limited at this time, the clinical significance of this alteration remains unclear.

Department of Pathology and Laboratory Medicine, Sinai Health System
Classification: Uncertain significance for Fanconi anemia complementation group C. Last evaluated: 2020-03-25. Review status: criteria provided, single submitter. Criteria: ACMG Guidelines, 2015. Collection method: clinical testing. Allele origin: germline. Affected: yes.

Natera, Inc.
Classification: Uncertain significance for Fanconi anemia, group C. Last evaluated: 2020-09-16. Review status: no assertion criteria provided. Collection method: clinical testing. Allele origin: germline. Not counted in ClinVar's aggregate classification.